The following is an entry in ClinVar:

NM_052988.5(CDK10):c.546C>T (p.Phe182=)

Gene: CDK10 (cyclin dependent kinase 10; plus strand). Cytogenetic location: 16q24.3.
Variant type: single nucleotide variant.
Coding change: c.546C>T on transcript NM_052988.5 (MANE Select); coding-DNA position 546, C replaced by T.
Protein change: p.Phe182=; no amino-acid change (phenylalanine 182 retained).
Molecular consequence: synonymous variant. On other transcripts: non-coding transcript variant (2).
Genome position (GRCh38, 1-based): chr16:89,693,405, C>T. VCF-style: chr16-89693405-C-T. GRCh37 (hg19) VCF-style: chr16-89759813-C-T.
Other names: c.333C>T, p.Phe111= (NM_001098533.3, NM_001160367.2, NM_052987.4).
Identifiers: ClinVar variation 3053513 (VCV003053513.2), dbSNP rs376029099, ClinGen allele CA8247974.

ClinVar aggregate classification (germline): Likely benign (0 of 4 stars; one submission).

Conditions:
CDK10-related disorder. Also called: CDK10-related condition.

Allele frequency attached by ClinVar (database versions not stated): ESP Exome Variant Server 0.00008.
gnomAD v4.1: 32 of 1,614,036 alleles (0.002%); highest among the groups gnomAD compares: African/African-American, 0.012%; no homozygotes.

Submission:

PreventionGenetics, part of Exact Sciences
Classification: Likely benign for CDK10-related condition. Last evaluated: 2019-08-28. Review status: no assertion criteria provided. Collection method: clinical testing. Allele origin: germline.
Comment: This variant is classified as likely benign based on ACMG/AMP sequence variant interpretation guidelines (Richards et al. 2015 PMID: 25741868, with internal and published modifications).